The following is an entry in ClinVar:

NM_016169.4(SUFU):c.763G>T (p.Val255Phe)

Gene: SUFU (SUFU negative regulator of hedgehog signaling; plus strand). Cytogenetic location: 10q24.32.
Variant type: single nucleotide variant.
Coding change: c.763G>T on transcript NM_016169.4 (MANE Select); coding-DNA position 763, G replaced by T.
Protein change: p.Val255Phe; replaces valine 255 with phenylalanine.
Molecular consequence: missense variant.
Genome position (GRCh38, 1-based): chr10:102,597,146, G>T. VCF-style: chr10-102597146-G-T. GRCh37 (hg19) VCF-style: chr10-104356903-G-T.
Other names: c.763G>T, p.Val255Phe (NM_001178133.2); short protein forms V255F.
Identifiers: ClinVar variation 4865251 (VCV004865251.1).

ClinVar aggregate classification (germline): Uncertain significance (1 of 4 stars; one submission).

Conditions:
Hereditary cancer-predisposing syndrome. Also called: Neoplastic Syndromes, Hereditary; Tumor predisposition; Hereditary Cancer Syndrome; Hereditary neoplastic syndrome. Identifiers: Orphanet 140162, MedGen C0027672, MeSH D009386, MONDO:0015356.

Submission:

Ambry Genetics
Classification: Uncertain significance for Hereditary cancer-predisposing syndrome. Last evaluated: 2026-06-14. Review status: criteria provided, single submitter. Criteria: Ambry Variant Classification Scheme 2023. Collection method: clinical testing. Allele origin: germline.
Comment: The p.V255F variant (also known as c.763G>T), located in coding exon 7 of the SUFU gene, results from a G to T substitution at nucleotide position 763. The valine at codon 255 is replaced by phenylalanine, an amino acid with highly similar properties. This amino acid position is conserved. In addition, this alteration is predicted to be deleterious by in silico analysis. Based on the available evidence, the clinical significance of this variant remains unclear.